The following is an entry in ClinVar:

NC_000017.10:g.(?_33430263)_(33430573_?)del

Gene: RAD51D (RAD51 paralog D; minus strand). Cytogenetic location: 17q12.
Variant type: Deletion.
Identifiers: ClinVar variation 2424555 (VCV002424555.4).

ClinVar aggregate classification (germline): Pathogenic (1 of 4 stars; one submission).

Conditions:
Breast-ovarian cancer, familial, susceptibility to, 4. Identifiers: Orphanet 145, MedGen C3280345, MONDO:0013669, OMIM 614291.

Submission:

Labcorp Genetics (formerly Invitae), Labcorp
Classification: Pathogenic for Breast-ovarian cancer, familial, susceptibility to, 4. Last evaluated: 2023-08-04. Review status: criteria provided, single submitter. Criteria: Invitae Variant Classification Sherloc (09022015). Collection method: clinical testing. Allele origin: germline.
Comment: This variant is a gross deletion of the genomic region encompassing exon(s) 7-8 of the RAD51D gene. This variant would be expected to be in-frame, preserving the integrity of the reading frame. This variant has not been reported in the literature in individuals affected with RAD51D-related conditions. This variant disrupts a region of the RAD51D protein in which other variant(s) (p.Ser207Leu) have been determined to be pathogenic (PMID: 16717288, 21822267, 22986143, 25186627, 26845104, 26976419, 28646019). This suggests that this is a clinically significant region of the protein, and that variants that disrupt it are likely to be disease-causing. For these reasons, this variant has been classified as Pathogenic.

Literature cited by the submitters: PubMed 16717288; PubMed 21822267; PubMed 22986143; PubMed 25186627; PubMed 26845104; PubMed 26976419; PubMed 28646019.